The following is an entry in ClinVar:

ClinVar aggregate classification (germline): Likely pathogenic (1 of 4 stars; one submission).

Conditions:
Tyrosinemia type II (TYRSN2). Also called: KERATOSIS PALMOPLANTARIS WITH CORNEAL DYSTROPHY; OREGON TYPE TYROSINEMIA; TAT DEFICIENCY; TYROSINE AMINOTRANSFERASE DEFICIENCY; TYROSINE TRANSAMINASE DEFICIENCY. Identifiers: Orphanet 28378, MedGen C0268487, MONDO:0010160, OMIM 276600.

Submission:

Myriad Genetics, Inc.
Classification: Likely pathogenic for Tyrosinemia type II. Last evaluated: 2022-02-12. Review status: criteria provided, single submitter. Criteria: Myriad Women's Health Autosomal Recessive and X-Linked Classification Criteria (2021). Collection method: clinical testing. Allele origin: unknown.
Comment: NM_000353.2(TAT):c.632_634delGTCinsA(C211Yfs*5) is expected to be pathogenic in the context of tyrosinemia type II. This variant is predicted to lead to an abnormal or absent protein product due to the creation of a premature termination codon in TAT, a gene where loss-of-function variants are known to be pathogenic. Please note: this variant was assessed in the context of healthy population screening.

NM_000353.3(TAT):c.632_634delinsA (p.Cys211fs)

Genes: TAT (tyrosine aminotransferase; minus strand), TAT-AS1 (TAT antisense RNA 1; plus strand), LOC111413029 (BRD4-independent group 4 enhancer GRCh37_chr16:71605697-71606896; plus strand). Cytogenetic location: 16q22.2.
Variant type: Indel.
Coding change: c.632_634delinsA on transcript NM_000353.3 (MANE Select); coding-DNA positions 632 to 634, GTC replaced by A.
Protein change: p.Cys211fs; shifts the reading frame from cysteine 211.
Molecular consequence: frameshift variant. On other transcripts: non-coding transcript variant (2).
Genome position (GRCh38, 1-based): chr16:71,572,258-71,572,260, GAC replaced by T on the plus strand (GTC replaced by A on the coding strand, the reverse complement: TAT is on the minus strand). VCF-style: chr16-71572258-GAC-T. GRCh37 (hg19) VCF-style: chr16-71606161-GAC-T.
Other names: short protein forms C211fs.
Identifiers: ClinVar variation 1724378 (VCV001724378.2), dbSNP rs2507666862, ClinGen allele CA2580092043.